The following is an entry in ClinVar:

NM_000179.3(MSH6):c.2562_2563del (p.Lys854fs)

Gene: MSH6 (mutS homolog 6; plus strand). Cytogenetic location: 2p16.3.
Variant type: Deletion.
Coding change: c.2562_2563del on transcript NM_000179.3 (MANE Select); coding-DNA positions 2562 to 2563, 2 bases deleted (GA; older notation c.2562_2563delGA).
Protein change: p.Lys854fs; shifts the reading frame from lysine 854.
Molecular consequence: frameshift variant.
Genome position (GRCh38, 1-based): chr2:47,800,545-47,800,546, GA deleted; deleting any 2 consecutive bases within chr2:47,800,544-47,800,546 gives the same sequence; the c. name uses the placement nearest the transcript's 3' end. VCF-style (leftmost placement, unchanged base first): chr2-47800543-AAG-A. GRCh37 (hg19) VCF-style: chr2-48027682-AAG-A.
Other names: c.2172_2173del, p.Lys724fs (NM_001281492.2); c.1656_1657del, p.Lys552fs (NM_001281493.2, NM_001281494.2); c.2561_2562delAG (NM_000179.2); short protein forms K552fs, K724fs, K854fs.
Identifiers: ClinVar variation 234373 (VCV000234373.4), dbSNP rs876660999, ClinGen allele CA10577279.
Genomic context (GRCh38, chr2:47,800,543, plus strand): 5'-AGTCAGAACCACCCAGACAGCAGGGCTATAATGTATGAAGAAACTACATACAGCAAGAAG[AAG>A]ATTATTGATTTTCTTTCTGCTCTGGAAGGATTCAAAGTAATGTGTAAAATTATAGGGATC-3'

ClinVar aggregate classification (germline): Uncertain significance (1 of 4 stars; one submission).

Submission:

GeneDx
Classification: Uncertain significance. Last evaluated: 2015-09-28. Review status: criteria provided, single submitter. Criteria: GeneDx Variant Classification (06012015). Collection method: clinical testing. Allele origin: germline. Affected: yes.
Comment: This variant is denoted MSH6 c.2561_2562delAGinsTT at the cDNA level, p.Lys854Ile (K854I) at the protein level. The normal sequence, with the bases that are deleted in braces and inserted in brackets, is AAGA{AG}[TT]ATTA. This in frame deletion and insertion occurs on the same allele (in cis) and results in the missense change of a Lysine to an Isoleucine (AAG>ATT). This variant has not, to our knowledge, been published in the literature as pathogenic or benign. Neither MSH6 c.2561_2562delAGinsTT nor MSH6 Lys854Ile (by this or an alternate nucleotide change) was observed in approximately 6,500 individuals of European and African American ancestry in the NHLBI Exome Sequencing Project, indicating it is not a common benign variant in these populations. Since Lysine and Isoleucine differ in polarity, charge, size or other properties, this is considered a non-conservative amino acid substitution. MSH6 Lys854Ile occurs at a position that is conserved across species and is located in domain III of the MutS domain (Terui 2013). In addition, in silico analyses predict that this variant is probably damaging to protein structure and function. Based on currently available information, we consider MSH6 Lys854Ile to be a variant of uncertain significance.